The following is an entry in ClinVar:

ClinVar aggregate classification (germline): Uncertain significance. Review status: criteria provided, multiple submitters, no conflicts (2 of 4 stars). 3 submissions from 3 submitters: Uncertain significance (2). 1 of the submissions does not count toward it. Last evaluated 2024-02-29.

Conditions:
Primary ciliary dyskinesia. Also called: Ciliary dyskinesia. Identifiers: Orphanet 244, MedGen C0008780, MONDO:0016575, HP:0012265.
Primary ciliary dyskinesia 3. Identifiers: Orphanet 244, MedGen C1837618, MONDO:0012085, OMIM 608644.

Allele frequency attached by ClinVar (database versions not stated): ExAC 0.00001; gnomAD exomes 0.00001 and 0.00002; gnomAD 0.00002; TOPMed 0.00002.
gnomAD v4.1: 38 of 1,613,960 alleles (0.0024%); highest among the groups gnomAD compares: Non-Finnish European, 0.0031%; no homozygotes.

Submissions (3):

Revvity Omics, Revvity
Classification: Uncertain significance for Primary ciliary dyskinesia 3. Last evaluated: 2024-02-29. Review status: criteria provided, single submitter. Criteria: ACMG Guidelines, 2015. Collection method: clinical testing. Allele origin: germline.

UNC Molecular Genetics  Laboratory, University of North Carolina at Chapel Hill
Classification: Uncertain significance for Primary ciliary dyskinesia. Last evaluated: 2018-10-12. Review status: criteria provided, single submitter. Criteria: ACMG Guidelines, 2015. Collection method: clinical testing. Allele origin: germline. Observed: 1 heterozygote.

Department of Pathology and Laboratory Medicine, Sinai Health System
Classification: Uncertain significance. Review status: no assertion criteria provided. Collection method: clinical testing. Allele origin: unknown. Affected: yes. Study: The Canadian Open Genetics Repository (COGR). Not counted in ClinVar's aggregate classification.
Comment: The DNAH5 p.Gly4202Ser variant was not identified in the literature nor was it identified in ClinVar, Cosmic, or LOVD 3.0. The variant was identified in dbSNP (ID: rs748903850) and in control databases in 2 of 250916 chromosomes at a frequency of 0.000008 (Genome Aggregation Database Feb 27, 2017). The variant was observed in the European (non-Finnish) population in 2 of 113318 chromosomes (freq: 0.000018), while the variant was not observed in the African, Latino, Ashkenazi Jewish, East Asian, European (Finnish), Other, and South Asian populations. The p.Gly4202 residue is conserved in mammals and computational analyses (PolyPhen-2, SIFT, AlignGVGD, BLOSUM, MutationTaster) provide inconsistent predictions regarding the impact to the protein; this information is not very predictive of pathogenicity. The variant occurs outside of the splicing consensus sequence and in silico or computational prediction software programs (SpliceSiteFinder, MaxEntScan, NNSPLICE, GeneSplicer) do not predict a difference in splicing. In summary, based on the above information the clinical significance of this variant cannot be determined with certainty at this time. This variant is classified as a variant of uncertain significance.

NM_001369.3(DNAH5):c.12604G>A (p.Gly4202Ser)

Gene: DNAH5 (dynein axonemal heavy chain 5; minus strand). Cytogenetic location: 5p15.2.
Variant type: single nucleotide variant.
Coding change: c.12604G>A on transcript NM_001369.3 (MANE Select); coding-DNA position 12604, G replaced by A.
Protein change: p.Gly4202Ser; replaces glycine 4202 with serine.
Molecular consequence: missense variant.
Genome position (GRCh38, 1-based): chr5:13,717,416, C>T on the plus strand (G>A on the coding strand, the complement: DNAH5 is on the minus strand). VCF-style: chr5-13717416-C-T. GRCh37 (hg19) VCF-style: chr5-13717525-C-T.
Other names: short protein forms G4202S.
Identifiers: ClinVar variation 977594 (VCV000977594.4), dbSNP rs748903850, ClinGen allele CA3201586.